The following is an entry in ClinVar:

NM_019042.5(PUS7):c.1008A>G (p.Lys336=)

Gene: PUS7 (pseudouridine synthase 7; minus strand). Cytogenetic location: 7q22.3.
Variant type: single nucleotide variant.
Coding change: c.1008A>G on transcript NM_019042.5 (MANE Select); coding-DNA position 1008, A replaced by G.
Protein change: p.Lys336=; no amino-acid change (lysine 336 retained).
Molecular consequence: synonymous variant.
Genome position (GRCh38, 1-based): chr7:105,482,353, T>C on the plus strand (A>G on the coding strand, the complement: PUS7 is on the minus strand). VCF-style: chr7-105482353-T-C. GRCh37 (hg19) VCF-style: chr7-105122800-T-C.
Other names: c.1026A>G, p.Lys342= (NM_001318163.1); c.1008A>G, p.Lys336= (NM_001318164.2).
Identifiers: ClinVar variation 2657916 (VCV002657916.24), dbSNP rs768136334, ClinGen allele CA4425997.

ClinVar aggregate classification (germline): Likely benign (1 of 4 stars; one submission).

Allele frequency attached by ClinVar (database versions not stated): gnomAD 0.00001; TOPMed 0.00001; ExAC 0.00004; gnomAD exomes 0.00005.
gnomAD v4.1: 69 of 1,613,334 alleles (0.0043%); highest among the groups gnomAD compares: Non-Finnish European, 0.0058%; no homozygotes.

Submission:

CeGaT Center for Human Genetics Tuebingen
Classification: Likely benign. Last evaluated: 2023-01-01. Review status: criteria provided, single submitter. Criteria: CeGaT Center For Human Genetics Tuebingen Variant Classification Criteria Version 2. Collection method: clinical testing. Allele origin: germline. Affected: yes. Observed: 1 variant allele.
Comment: PUS7: BP4, BP7